The following is an entry in ClinVar:

ClinVar aggregate classification (germline): Uncertain significance. Review status: criteria provided, multiple submitters, no conflicts (2 of 4 stars). 2 submissions from 2 submitters: Uncertain significance (2). Last evaluated 2023-03-27.

Conditions:
Oculodentodigital dysplasia, autosomal recessive. Also called: OCULODENTOOSSEOUS DYSPLASIA, AUTOSOMAL RECESSIVE; ODDD, AUTOSOMAL RECESSIVE; ODOD, AUTOSOMAL RECESSIVE. Identifiers: Orphanet 2710, MedGen C2749477, MONDO:0009768, OMIM 257850.

Allele frequency attached by ClinVar (database versions not stated): gnomAD exomes below 0.00001.
gnomAD v4.1: 2 of 1,613,992 alleles (0.00012%); highest among the groups gnomAD compares: Non-Finnish European, 0.00017%; no homozygotes.

Submissions (2):

GeneDx
Classification: Uncertain significance. Last evaluated: 2023-03-27. Review status: criteria provided, single submitter. Criteria: GeneDx Variant Classification Process June 2021. Collection method: clinical testing. Allele origin: germline. Affected: yes.
Comment: Reported in an individual with congenital heart disease in published literature (Wang et al., 2010); Not observed at significant frequency in large population cohorts (gnomAD); In silico analysis supports that this missense variant does not alter protein structure/function; This variant is associated with the following publications: (PMID: 19615768)

Labcorp Genetics (formerly Invitae), Labcorp
Classification: Uncertain significance for Oculodentodigital dysplasia, autosomal recessive. Last evaluated: 2022-03-04. Review status: criteria provided, single submitter. Criteria: Invitae Variant Classification Sherloc (09022015). Collection method: clinical testing. Allele origin: germline.
Comment: In summary, the available evidence is currently insufficient to determine the role of this variant in disease. Therefore, it has been classified as a Variant of Uncertain Significance. This sequence change replaces arginine, which is basic and polar, with glutamine, which is neutral and polar, at codon 153 of the GJA1 protein (p.Arg153Gln). This variant is not present in population databases (gnomAD no frequency). This missense change has been observed in individual(s) with congenital heart defect(s) (PMID: 19615768). Algorithms developed to predict the effect of missense changes on protein structure and function (SIFT, PolyPhen-2, Align-GVGD) all suggest that this variant is likely to be tolerated.

Literature cited by the submitters: PubMed 19615768 (cited by Labcorp Genetics (formerly Invitae), Labcorp).

NM_000165.5(GJA1):c.458G>A (p.Arg153Gln)

Gene: GJA1 (gap junction protein alpha 1; plus strand). Cytogenetic location: 6q22.31.
Variant type: single nucleotide variant.
Coding change: c.458G>A on transcript NM_000165.5 (MANE Select); coding-DNA position 458, G replaced by A.
Protein change: p.Arg153Gln; replaces arginine 153 with glutamine.
Molecular consequence: missense variant.
Genome position (GRCh38, 1-based): chr6:121,447,305, G>A. VCF-style: chr6-121447305-G-A. GRCh37 (hg19) VCF-style: chr6-121768451-G-A.
Other names: c.458G>A (NM_000165.3); short protein forms R153Q.
Identifiers: ClinVar variation 2014277 (VCV002014277.5), dbSNP rs1773904585, ClinGen allele CA365559055.
Genomic context (GRCh38, chr6:121,447,305, plus strand): 5'-AGAAGTTCAAGTACGGTATTGAAGAGCATGGTAAGGTGAAAATGCGAGGGGGGTTGCTGC[G>A]AACCTACATCATCAGTATCCTCTTCAAGTCTATCTTTGAGGTGGCCTTCTTGCTGATCCA-3'
Protein context (NP_000156.1, residues 143-163): GKVKMRGGLL[Arg153Gln]TYIISILFKS